The following is an entry in ClinVar:

ClinVar aggregate classification (germline): Pathogenic/Likely pathogenic. Review status: criteria provided, multiple submitters, no conflicts (2 of 4 stars). 6 submissions from 6 submitters: Pathogenic (2); Likely pathogenic (3). 1 of the submissions does not count toward it. Last evaluated 2026-03-04.

Conditions:
Cardiomyopathy (CMYO). Also called: Cardiomyopathies. Identifiers: Orphanet 167848, MedGen C0878544, MONDO:0004994, HP:0001638. Inheritance: Various modes of inheritance.
Arrhythmogenic right ventricular dysplasia 11. Also called: ARRHYTHMOGENIC RIGHT VENTRICULAR DYSPLASIA, FAMILIAL, 11; Arrhythmogenic right ventricular dysplasia 11 with mild palmoplantar keratoderma and woolly hair; Arrhythmogenic Right Ventricular Dysplasia/Cardiomyopathy11. Identifiers: MedGen C1864850, MONDO:0012506, OMIM 610476.
Cardiovascular phenotype. Identifiers: MedGen CN230736.

Submissions (6):

Ambry Genetics
Classification: Pathogenic for Cardiovascular phenotype. Last evaluated: 2026-03-04. Review status: criteria provided, single submitter. Criteria: Ambry Variant Classification Scheme 2023. Collection method: clinical testing. Allele origin: germline.
Comment: The c.880delC pathogenic mutation, located in coding exon 7 of the DSC2 gene, results from a deletion of one nucleotide at nucleotide position 880, causing a translational frameshift with a predicted alternate stop codon (p.L294Yfs*10). This alteration is expected to result in loss of function by premature protein truncation or nonsense-mediated mRNA decay. As such, this alteration is interpreted as a disease-causing mutation.

GeneDx
Classification: Likely pathogenic. Last evaluated: 2025-05-09. Review status: criteria provided, single submitter. Criteria: GeneDx Variant Classification Process June 2021. Collection method: clinical testing. Allele origin: germline. Affected: yes.
Comment: Frameshift variant predicted to result in protein truncation or nonsense mediated decay in a gene for which loss of function is a known mechanism of disease; Not observed at significant frequency in large population cohorts (gnomAD); Reported in an individual participating in the Geisinger MyCode project (PMID: 33684294), but has not been reported in published literature in a patient with a known diagnosis of ARVC to our knowledge; This variant is associated with the following publications: (PMID: 31638835, 33684294)

Labcorp Genetics (formerly Invitae), Labcorp
Classification: Pathogenic for Arrhythmogenic right ventricular dysplasia 11. Last evaluated: 2025-03-16. Review status: criteria provided, single submitter. Criteria: Invitae Variant Classification Sherloc (09022015). Collection method: clinical testing. Allele origin: germline.
Comment: This sequence change creates a premature translational stop signal (p.Leu294Tyrfs*10) in the DSC2 gene. It is expected to result in an absent or disrupted protein product. Loss-of-function variants in DSC2 are known to be pathogenic (PMID: 23911551). This variant is present in population databases (no rsID available, gnomAD 0.0009%). This variant has not been reported in the literature in individuals affected with DSC2-related conditions. ClinVar contains an entry for this variant (Variation ID: 1300575). For these reasons, this variant has been classified as Pathogenic.

AiLife Diagnostics
Classification: Likely pathogenic. Last evaluated: 2022-02-11. Review status: criteria provided, single submitter. Criteria: ACMG Guidelines, 2015. Collection method: clinical testing. Allele origin: germline. Affected: yes. Observed: 1 variant allele.

Fulgent Genetics
Classification: Likely pathogenic for Arrhythmogenic right ventricular dysplasia 11. Last evaluated: 2021-08-01. Review status: criteria provided, single submitter. Criteria: ACMG Guidelines, 2015. Collection method: clinical testing. Allele origin: unknown.

Color Diagnostics, LLC DBA Color Health
Classification: Uncertain significance for Cardiomyopathy. Last evaluated: 2025-12-15. Review status: flagged submission. Criteria: ACMG Guidelines, 2015. Collection method: clinical testing. Allele origin: germline. Not counted in ClinVar's aggregate classification.
Comment: This variant deletes 1 nucleotide in exon 7 of the DSC2 gene, creating a frameshift and premature translation stop signal. This variant is expected to result in an absent or non-functional protein product. To our knowledge, this variant has not been reported in individuals affected with DSC2-related disorders in the literature. This variant has been identified in 2/1614044 chromosomes in the general population by the Genome Aggregation Database (gnomAD). The available evidence is insufficient to determine the role of this variant in disease conclusively. Therefore, this variant is classified as a Variant of Uncertain Significance.
ClinVar note: Reason: Outlier claim with insufficient supporting evidence

Literature cited by the submitters: PubMed 23911551 (cited by Labcorp Genetics (formerly Invitae), Labcorp); PubMed 31638835 (cited by AiLife Diagnostics); PubMed 33684294 (cited by AiLife Diagnostics).

NM_024422.6(DSC2):c.880del (p.Leu294fs)

Gene: DSC2 (desmocollin 2; minus strand). Cytogenetic location: 18q12.1.
Variant type: Deletion.
Coding change: c.880del on transcript NM_024422.6 (MANE Select); coding-DNA position 880, one base deleted (C; older notation c.880delC).
Protein change: p.Leu294fs; shifts the reading frame from leucine 294.
Molecular consequence: frameshift variant.
Genome position (GRCh38, 1-based): chr18:31,086,638, G deleted on the plus strand (C on the coding strand, the reverse complement: DSC2 is on the minus strand); the first of 3 consecutive G bases (chr18:31,086,638-31,086,640); deleting any one gives the same sequence. VCF-style (leftmost placement, unchanged base first): chr18-31086637-AG-A. GRCh37 (hg19) VCF-style: chr18-28666600-AG-A.
Other names: c.880del, p.Leu294fs (NM_004949.5); c.880delC (NM_024422.3); short protein forms L294fs.
Identifiers: ClinVar variation 1300575 (VCV001300575.9), dbSNP rs1451144520, ClinGen allele CA629453181.
Genomic context (GRCh38, chr18:31,086,637, plus strand): 5'-TCTCTGTCTAGCTGAGATGATGTTGTGGTGATCACGCCTGTAGTTGGATGCATAGAAAAT[AG>A]GGTGGGTGATGGTGGCACCTGCCCAATGATGGAGTACTTCAGGCGTGTGTGCATCGTGTC-3'